The following is an entry in ClinVar:

ClinVar aggregate classification (germline): Uncertain significance (1 of 4 stars; one submission).

Allele frequency attached by ClinVar (database versions not stated): gnomAD 0.00001; gnomAD exomes 0.00001; ExAC 0.00002; TOPMed 0.00002; ESP Exome Variant Server 0.00008.
gnomAD v4.1: 8 of 1,613,786 alleles (0.0005%); highest among the groups gnomAD compares: East Asian, 0.0022%; no homozygotes.

Submission:

Labcorp Genetics (formerly Invitae), Labcorp
Classification: Uncertain significance. Last evaluated: 2023-01-31. Review status: criteria provided, single submitter. Criteria: Invitae Variant Classification Sherloc (09022015). Collection method: clinical testing. Allele origin: germline.
Comment: In summary, the available evidence is currently insufficient to determine the role of this variant in disease. Therefore, it has been classified as a Variant of Uncertain Significance. Advanced modeling of protein sequence and biophysical properties (such as structural, functional, and spatial information, amino acid conservation, physicochemical variation, residue mobility, and thermodynamic stability) has been performed at Invitae for this missense variant, however the output from this modeling did not meet the statistical confidence thresholds required to predict the impact of this variant on MYH3 protein function. This variant has not been reported in the literature in individuals affected with MYH3-related conditions. This variant is present in population databases (rs150199167, gnomAD 0.006%). This sequence change replaces arginine, which is basic and polar, with histidine, which is basic and polar, at codon 443 of the MYH3 protein (p.Arg443His).

NM_002470.4(MYH3):c.1328G>A (p.Arg443His)

Gene: MYH3 (myosin heavy chain 3; minus strand). Cytogenetic location: 17p13.1.
Variant type: single nucleotide variant.
Coding change: c.1328G>A on transcript NM_002470.4 (MANE Select); coding-DNA position 1328, G replaced by A.
Protein change: p.Arg443His; replaces arginine 443 with histidine.
Molecular consequence: missense variant.
Genome position (GRCh38, 1-based): chr17:10,644,433, C>T on the plus strand (G>A on the coding strand, the complement: MYH3 is on the minus strand). VCF-style: chr17-10644433-C-T. GRCh37 (hg19) VCF-style: chr17-10547750-C-T.
Other names: short protein forms R443H.
Identifiers: ClinVar variation 2967225 (VCV002967225.3), dbSNP rs150199167, ClinGen allele CA8393026.